The following is an entry in ClinVar:

NM_001009944.3(PKD1):c.9360C>T (p.Tyr3120=)

Gene: PKD1 (polycystin 1, transient receptor potential channel interacting; minus strand). Cytogenetic location: 16p13.3.
Variant type: single nucleotide variant.
Coding change: c.9360C>T on transcript NM_001009944.3 (MANE Select); coding-DNA position 9360, C replaced by T.
Protein change: p.Tyr3120=; no amino-acid change (tyrosine 3120 retained).
Molecular consequence: synonymous variant.
Genome position (GRCh38, 1-based): chr16:2,102,098, G>A on the plus strand (C>T on the coding strand, the complement: PKD1 is on the minus strand). VCF-style: chr16-2102098-G-A. GRCh37 (hg19) VCF-style: chr16-2152099-G-A.
Other names: c.9360C>T, p.Tyr3120= (NM_000296.4).
Identifiers: ClinVar variation 3036797 (VCV003036797.3), dbSNP rs983374570, ClinGen allele CA276775075.
Genomic context (GRCh38, chr16:2,102,098, plus strand): 5'-TGCCACCCCGCTGCGCCCCTCACCTGAGCCCCGGCCCCAGCCTGTCTTGACGAGGATCTC[G>A]TACTTGAAGCGGCCCCGCTGCCCACAGAAAGGGATGGCGCGGCCCCGGCTGGCATCCAAC-3'
Protein context (NP_001009944.3, residues 3110-3130): PFCGQRGRFK[Tyr3120=]EILVKTGWGR

ClinVar aggregate classification (germline): Likely benign. Review status: criteria provided, single submitter (1 of 4 stars). 2 submissions from 2 submitters: Likely benign (1). 1 of the submissions does not count toward it. Last evaluated 2019-11-13.

Conditions:
PKD1-related disorder. Also called: PKD1-related condition.
Polycystic kidney disease, adult type (PKD1). Also called: POLYCYSTIC KIDNEY DISEASE 1 WITH OR WITHOUT POLYCYSTIC LIVER DISEASE; POLYCYSTIC KIDNEY DISEASE, ADULT, TYPE I; Polycystic Kidney Disease 1, Autosomal Dominant; Polycystic kidney disease 1; Polycystic kidney disease 1, severe; Polycystic Kidney, Autosomal Dominant. Identifiers: MedGen C3149841, MONDO:0008263, OMIM 173900.

Allele frequency attached by ClinVar (database versions not stated): gnomAD exomes 0.00001; TOPMed 0.00002; gnomAD 0.00003; 1000 Genomes Project 30x 0.00016.
gnomAD v4.1: 27 of 1,572,484 alleles (0.0017%); highest among the groups gnomAD compares: African/African-American, 0.0028%; no homozygotes.

Submissions (2):

Department of Pathology and Laboratory Medicine, Sinai Health System
Classification: Likely benign for Polycystic kidney disease, adult type. Last evaluated: 2019-11-13. Review status: criteria provided, single submitter. Criteria: ACMG Guidelines, 2015. Collection method: clinical testing. Allele origin: germline. Affected: yes.

PreventionGenetics, part of Exact Sciences
Classification: Likely benign for PKD1-related condition. Last evaluated: 2023-03-20. Review status: no assertion criteria provided. Collection method: clinical testing. Allele origin: germline. Not counted in ClinVar's aggregate classification.
Comment: This variant is classified as likely benign based on ACMG/AMP sequence variant interpretation guidelines (Richards et al. 2015 PMID: 25741868, with internal and published modifications).